The following continues an entry in ClinVar:

NM_000257.4(MYH7):c.2539_2541del (p.Lys847del)

ClinVar aggregate classification (germline): Likely pathogenic. Likely pathogenic (1).

Submissions 10 to 14 of 14:

Laboratory for Molecular Medicine, Mass General Brigham Personalized Medicine
Classification: Likely pathogenic for Hypertrophic cardiomyopathy. Last evaluated: 2018-07-10. Review status: criteria provided, single submitter. Criteria: LMM Criteria. Collection method: clinical testing. Allele origin: germline. Observed: 7 variant alleles. Not counted in ClinVar's aggregate classification.
Comment: The p.Lys847del variant in MYH7 has been identified in at least 15 individuals w ith HCM and segregated with disease in at least 3 affected relatives (Van Driest 2004, Waldmuller 2008, Santos 2012, Kelly 2018, LMM data). This variant results in the deletion of a lysine (Lys) residue at position 847, but does not alter t he amino acid reading frame. In summary, although additional studies are require d to fully establish its clinical significance, the p.Lys847del variant is likel y pathogenic. ACMG/AMP Criteria applied: PS4, PM2, PP1, PM4_Supporting.

Agnes Ginges Centre for Molecular Cardiology, Centenary Institute
Classification: Likely pathogenic for Hypertrophic cardiomyopathy 1. Last evaluated: 2018-05-02. Review status: criteria provided, single submitter. Criteria: ACMG Guidelines, 2015. Collection method: research. Allele origin: germline. Inheritance: Autosomal dominant inheritance. Affected: yes. Not counted in ClinVar's aggregate classification.
Comment: MYH7 Lys847del has been previously reported in more than 10 HCM probands (Walsh R, et al., 2017; Kapplinger JD, et al., 2014; Kassem HSh, et al., 2013; Marsiglia JD, et al., 2013; Santos S, et al., 2012; Waldmuller S, et al., 2008; Van Driest SL, et al., 2004) and has been reported to segregate with disease in at least 2 families (Stanford, ClinVar:SCV000280326.1; LMM, ClinVar:SCV000059453.4). The variant is absent in the Genome Aggregation Database. Based on the adapted ACMG criteria (Kelly MA, et al., 2018) this variant has been reported in more than 10 unrelated probands (PS4), is rare in the general population (PM2), causes a truncated protein (PM4) and segregated to other affected family members (PP1), therefore we classify MYH7 Lys847del as 'likely pathogenic'.

Stanford Center for Inherited Cardiovascular Disease, Stanford University
Classification: Likely pathogenic. Last evaluated: 2012-01-16. Review status: criteria provided, single submitter. Criteria: ACMG Guidelines, 2015. Collection method: provider interpretation. Allele origin: germline. Not counted in ClinVar's aggregate classification.

Baylor-Hopkins Center for Mendelian Genomics, Johns Hopkins University School of Medicine
Classification: Pathogenic for Dilated cardiomyopathy 1S. Review status: criteria provided, single submitter. Criteria: ACMG Guidelines, 2015. Collection method: research. Allele origin: unknown. Affected: yes. Observed: 1 variant allele, 1 heterozygote. Not counted in ClinVar's aggregate classification.

Laboratory of Genetics and Molecular Cardiology, University of São Paulo
Classification: Likely pathogenic for Hypertrophic cardiomyopathy 1. Review status: criteria provided, single submitter. Criteria: LGCM Criteria August 2015. Collection method: clinical testing. Allele origin: germline. Inheritance: Autosomal dominant inheritance. Affected: yes. Observed: 3 variant alleles. Study: Sarcomeric Human Cardiomyopathy Registry (ShaRe). Not counted in ClinVar's aggregate classification.

Literature cited by the submitters: PubMed 29300372 (cited by 3 submitters); PubMed 15358028 (cited by 8 submitters); PubMed 22429680 (cited by 6 submitters); PubMed 22857948 (cited by Labcorp Genetics (formerly Invitae), Labcorp and Ambry Genetics); PubMed 23233322 (cited by 5 submitters); PubMed 23283745 (cited by 3 submitters); PubMed 23782526 (cited by 3 submitters); PubMed 24093860 (cited by 7 submitters); PubMed 20031618 (cited by Labcorp Genetics (formerly Invitae), Labcorp); PubMed 28615295 (cited by Labcorp Genetics (formerly Invitae), Labcorp); PubMed 30297972 (cited by 3 submitters); PubMed 18258667 (cited by 5 submitters); PubMed 30775854 (cited by 3 submitters); PubMed 27532257 (cited by 4 submitters); PubMed 24510615 (cited by Ambry Genetics and Agnes Ginges Centre for Molecular Cardiology, Centenary Institute); PubMed 27483260 (cited by Ambry Genetics and Laboratory for Molecular Medicine, Mass General Brigham Personalized Medicine); PubMed 25892673 (cited by Laboratory for Molecular Medicine, Mass General Brigham Personalized Medicine).